The following is an entry in ClinVar:

NM_213599.3(ANO5):c.1628T>A (p.Met543Lys)

Gene: ANO5 (anoctamin 5; plus strand). Cytogenetic location: 11p14.3.
Variant type: single nucleotide variant.
Coding change: c.1628T>A on transcript NM_213599.3 (MANE Select); coding-DNA position 1628, T replaced by A.
Protein change: p.Met543Lys; replaces methionine 543 with lysine.
Molecular consequence: missense variant.
Genome position (GRCh38, 1-based): chr11:22,259,739, T>A. VCF-style: chr11-22259739-T-A. GRCh37 (hg19) VCF-style: chr11-22281285-T-A.
Other names: c.1625T>A, p.Met542Lys (NM_001142649.2); short protein forms M542K, M543K.
Identifiers: ClinVar variation 1384261 (VCV001384261.6), dbSNP rs2133739053, ClinGen allele CA379922446.

ClinVar aggregate classification (germline): Uncertain significance (1 of 4 stars; one submission).

Conditions:
Autosomal recessive limb-girdle muscular dystrophy type 2L (LGMDR12). Also called: Limb-girdle muscular dystrophy, type 2L; MUSCULAR DYSTROPHY, LIMB-GIRDLE, AUTOSOMAL RECESSIVE 12; Limb-Girdle Muscular Dystrophy R12 Anoctamin-5-Related (LGMD-R12). Identifiers: Orphanet 206549, MedGen C1969785, MONDO:0012652, OMIM 611307.
Gnathodiaphyseal dysplasia (GDD). Also called: GNATHODIAPHYSEAL SCLEROSIS; OSTEOGENESIS IMPERFECTA WITH UNUSUAL SKELETAL LESIONS. Identifiers: Orphanet 53697, MedGen C1833736, MONDO:0008151, OMIM 166260.

Submission:

Labcorp Genetics (formerly Invitae), Labcorp
Classification: Uncertain significance for Autosomal recessive limb-girdle muscular dystrophy type 2L; Gnathodiaphyseal dysplasia. Last evaluated: 2023-05-15. Review status: criteria provided, single submitter. Criteria: Invitae Variant Classification Sherloc (09022015). Collection method: clinical testing. Allele origin: germline.
Comment: This sequence change replaces methionine, which is neutral and non-polar, with lysine, which is basic and polar, at codon 543 of the ANO5 protein (p.Met543Lys). This variant is not present in population databases (gnomAD no frequency). This variant has not been reported in the literature in individuals affected with ANO5-related conditions. ClinVar contains an entry for this variant (Variation ID: 1384261). An algorithm developed to predict the effect of missense changes on protein structure and function (PolyPhen-2) suggests that this variant is likely to be disruptive. In summary, the available evidence is currently insufficient to determine the role of this variant in disease. Therefore, it has been classified as a Variant of Uncertain Significance.